The following is an entry in ClinVar:

ClinVar aggregate classification (germline): Uncertain significance. Review status: criteria provided, multiple submitters, no conflicts (2 of 4 stars). 2 submissions from 2 submitters: Uncertain significance (2). Last evaluated 2025-03-17.

Conditions:
Familial thoracic aortic aneurysm and aortic dissection (TAAD). Also called: Thoracic aortic aneurysms and dissections. Identifiers: Orphanet 91387, MedGen C4707243, MONDO:0019625.
Shprintzen-Goldberg syndrome (SGS). Also called: Marfanoid disorder with craniosynostosis type 1; Marfanoid craniosynostosis syndrome; Shprintzen-Goldberg marfanoid syndrome; SHPRINTZEN-GOLDBERG CRANIOSYNOSTOSIS SYNDROME; CRANIOSYNOSTOSIS WITH ARACHNODACTYLY AND ABDOMINAL HERNIAS. Identifiers: Orphanet 2462, MedGen C1321551, MONDO:0008426, OMIM 182212.

Allele frequency attached by ClinVar (database versions not stated): TOPMed 0.00004.
gnomAD v4.1: 1 of 1,596,308 alleles (0.000063%); highest among the groups gnomAD compares: Non-Finnish European, 0.000085%; no homozygotes.

Submissions (2):

Labcorp Genetics (formerly Invitae), Labcorp
Classification: Uncertain significance for Shprintzen-Goldberg syndrome. Last evaluated: 2025-03-17. Review status: criteria provided, single submitter. Criteria: Invitae Variant Classification Sherloc (09022015). Collection method: clinical testing. Allele origin: germline.
Comment: This sequence change replaces proline, which is neutral and non-polar, with leucine, which is neutral and non-polar, at codon 196 of the SKI protein (p.Pro196Leu). This variant is not present in population databases (gnomAD no frequency). This variant has not been reported in the literature in individuals affected with SKI-related conditions. ClinVar contains an entry for this variant (Variation ID: 1496290). Invitae Evidence Modeling of protein sequence and biophysical properties (such as structural, functional, and spatial information, amino acid conservation, physicochemical variation, residue mobility, and thermodynamic stability) indicates that this missense variant is not expected to disrupt SKI protein function with a negative predictive value of 95%. In summary, the available evidence is currently insufficient to determine the role of this variant in disease. Therefore, it has been classified as a Variant of Uncertain Significance.

Ambry Genetics
Classification: Uncertain significance for Familial thoracic aortic aneurysm and aortic dissection. Last evaluated: 2025-02-01. Review status: criteria provided, single submitter. Criteria: Ambry Variant Classification Scheme 2023. Collection method: clinical testing. Allele origin: germline.
Comment: The p.P196L variant (also known as c.587C>T), located in coding exon 1 of the SKI gene, results from a C to T substitution at nucleotide position 587. The proline at codon 196 is replaced by leucine, an amino acid with similar properties. This amino acid position is conserved. In addition, this alteration is predicted to be deleterious by in silico analysis. Based on the available evidence, the clinical significance of this variant remains unclear.

NM_003036.4(SKI):c.587C>T (p.Pro196Leu)

Gene: SKI (SKI proto-oncogene; plus strand). Cytogenetic location: 1p36.33.
Variant type: single nucleotide variant.
Coding change: c.587C>T on transcript NM_003036.4 (MANE Select); coding-DNA position 587, C replaced by T.
Protein change: p.Pro196Leu; replaces proline 196 with leucine.
Molecular consequence: missense variant.
Genome position (GRCh38, 1-based): chr1:2,229,353, C>T. VCF-style: chr1-2229353-C-T. GRCh37 (hg19) VCF-style: chr1-2160792-C-T.
Other names: c.587C>T (NM_003036.3); short protein forms P196L.
Identifiers: ClinVar variation 1496290 (VCV001496290.9), dbSNP rs1638578545, ClinGen allele CA337954229.